The following is an entry in ClinVar:

ClinVar aggregate classification (germline): Uncertain significance (1 of 4 stars; one submission).

Submission:

Labcorp Genetics (formerly Invitae), Labcorp
Classification: Uncertain significance. Last evaluated: 2025-10-14. Review status: criteria provided, single submitter. Criteria: Invitae Variant Classification Sherloc (09022015). Collection method: clinical testing. Allele origin: germline.
Comment: This sequence change replaces glutamic acid, which is acidic and polar, with lysine, which is basic and polar, at codon 1301 of the TOP2B protein (p.Glu1301Lys). This variant is not present in population databases (gnomAD no frequency). This variant has not been reported in the literature in individuals affected with TOP2B-related conditions. An algorithm developed to predict the effect of missense changes on protein structure and function (PolyPhen-2) suggests that this variant is likely to be tolerated. In summary, the available evidence is currently insufficient to determine the role of this variant in disease. Therefore, it has been classified as a Variant of Uncertain Significance.

NM_001330700.2(TOP2B):c.3916G>A (p.Glu1306Lys)

Gene: TOP2B (DNA topoisomerase II beta; minus strand). Cytogenetic location: 3p24.2.
Variant type: single nucleotide variant.
Coding change: c.3916G>A on transcript NM_001330700.2 (MANE Select); coding-DNA position 3916, G replaced by A.
Protein change: p.Glu1306Lys; replaces glutamic acid 1306 with lysine.
Molecular consequence: missense variant.
Genome position (GRCh38, 1-based): chr3:25,609,583, C>T on the plus strand (G>A on the coding strand, the complement: TOP2B is on the minus strand). VCF-style: chr3-25609583-C-T. GRCh37 (hg19) VCF-style: chr3-25651074-C-T.
Other names: c.3901G>A, p.Glu1301Lys (NM_001068.3); short protein forms E1306K, E1301K.
Identifiers: ClinVar variation 4726557 (VCV004726557.1).
Genomic context (GRCh38, chr3:25,609,583, plus strand): 5'-ATATTTTTTCTCTCACACACATGCAAAACTATAATCATTTCTCACCAGGCTCCTTCTTCT[C>T]CCTCTTAGGTTTGGGACCTTTATTTATAGGAACTGATGGAGTCAATGCCTCTTCTCCTGC-3'
Protein context (NP_001317629.1, residues 1296-1316): PINKGPKPKR[Glu1306Lys]KKEPGTRVRK